The following is an entry in ClinVar:

NM_024852.4(AGO3):c.573C>T (p.His191=)

Gene: AGO3 (argonaute RISC catalytic component 3; plus strand). Cytogenetic location: 1p34.3.
Variant type: single nucleotide variant.
Coding change: c.573C>T on transcript NM_024852.4 (MANE Select); coding-DNA position 573, C replaced by T.
Protein change: p.His191=; no amino-acid change (histidine 191 retained).
Molecular consequence: synonymous variant. On other transcripts: intron variant (1).
Genome position (GRCh38, 1-based): chr1:35,973,426, C>T. VCF-style: chr1-35973426-C-T. GRCh37 (hg19) VCF-style: chr1-36439027-C-T.
Other names: c.-45+1194C>T (NM_177422.3).
Identifiers: ClinVar variation 3042460 (VCV003042460.2), dbSNP rs147480778, ClinGen allele CA763613.

ClinVar aggregate classification (germline): Likely benign (0 of 4 stars; one submission).

Conditions:
AGO3-related disorder. Also called: AGO3-related condition.

Allele frequency attached by ClinVar (database versions not stated): ExAC 0.00020; gnomAD 0.00020; TOPMed 0.00024; ESP Exome Variant Server 0.00031; gnomAD exomes 0.00034.

Submission:

PreventionGenetics, part of Exact Sciences
Classification: Likely benign for AGO3-related condition. Last evaluated: 2019-06-21. Review status: no assertion criteria provided. Collection method: clinical testing. Allele origin: germline.
Comment: This variant is classified as likely benign based on ACMG/AMP sequence variant interpretation guidelines (Richards et al. 2015 PMID: 25741868, with internal and published modifications).